The following is an entry in ClinVar:

NM_000704.3(ATP4A):c.1186C>T (p.Arg396Cys)

Gene: ATP4A (ATPase H+/K+ transporting subunit alpha; minus strand). Cytogenetic location: 19q13.12.
Variant type: single nucleotide variant.
Coding change: c.1186C>T on transcript NM_000704.3 (MANE Select); coding-DNA position 1186, C replaced by T.
Protein change: p.Arg396Cys; replaces arginine 396 with cysteine.
Molecular consequence: missense variant.
Genome position (GRCh38, 1-based): chr19:35,559,062, G>A on the plus strand (C>T on the coding strand, the complement: ATP4A is on the minus strand). VCF-style: chr19-35559062-G-A. GRCh37 (hg19) VCF-style: chr19-36049964-G-A.
Other names: short protein forms R396C.
Identifiers: ClinVar variation 2784589 (VCV002784589.3), dbSNP rs2514746272, ClinGen allele CA405385830.

ClinVar aggregate classification (germline): Uncertain significance (1 of 4 stars; one submission).

gnomAD v4.1: 1 of 1,614,212 alleles (0.000062%); highest among the groups gnomAD compares: East Asian, 0.0022%; no homozygotes.

Submission:

Labcorp Genetics (formerly Invitae), Labcorp
Classification: Uncertain significance. Last evaluated: 2023-12-10. Review status: criteria provided, single submitter. Criteria: Invitae Variant Classification Sherloc (09022015). Collection method: clinical testing. Allele origin: germline.
Comment: This sequence change replaces arginine, which is basic and polar, with cysteine, which is neutral and slightly polar, at codon 396 of the ATP4A protein (p.Arg396Cys). This variant is not present in population databases (gnomAD no frequency). This variant has not been reported in the literature in individuals affected with ATP4A-related conditions. Advanced modeling of protein sequence and biophysical properties (such as structural, functional, and spatial information, amino acid conservation, physicochemical variation, residue mobility, and thermodynamic stability) has been performed at Invitae for this missense variant, however the output from this modeling did not meet the statistical confidence thresholds required to predict the impact of this variant on ATP4A protein function. In summary, the available evidence is currently insufficient to determine the role of this variant in disease. Therefore, it has been classified as a Variant of Uncertain Significance.